The following is an entry in ClinVar:

NM_014476.6(PDLIM3):c.119C>T (p.Ala40Val)

Gene: PDLIM3 (PDZ and LIM domain 3; minus strand). Cytogenetic location: 4q35.1.
Variant type: single nucleotide variant.
Coding change: c.119C>T on transcript NM_014476.6 (MANE Select); coding-DNA position 119, C replaced by T.
Protein change: p.Ala40Val; replaces alanine 40 with valine.
Molecular consequence: missense variant. On other transcripts: non-coding transcript variant (1), intron variant (1).
Genome position (GRCh38, 1-based): chr4:185,525,146, G>A on the plus strand (C>T on the coding strand, the complement: PDLIM3 is on the minus strand). VCF-style: chr4-185525146-G-A. GRCh37 (hg19) VCF-style: chr4-186446300-G-A.
Other names: c.119C>T, p.Ala40Val (NM_001114107.5, NM_001257962.2); c.93+10196C>T (NM_001257963.2); short protein forms A40V.
Identifiers: ClinVar variation 2448558 (VCV002448558.2), dbSNP rs2478428343, ClinGen allele CA358929824.

ClinVar aggregate classification (germline): Uncertain significance (1 of 4 stars; one submission).

Submission:

Ambry Genetics
Classification: Uncertain significance. Last evaluated: 2022-11-27. Review status: criteria provided, single submitter. Criteria: Ambry Variant Classification Scheme 2023. Collection method: clinical testing. Allele origin: germline.
Comment: The p.A40V variant (also known as c.119C>T), located in coding exon 2 of the PDLIM3 gene, results from a C to T substitution at nucleotide position 119. The alanine at codon 40 is replaced by valine, an amino acid with similar properties. This amino acid position is conserved. In addition, this alteration is predicted to be tolerated by in silico analysis. Since supporting evidence is limited at this time, the clinical significance of this alteration remains unclear.